The following is an entry in ClinVar:

NM_133510.4(RAD51B):c.556G>C (p.Asp186His)

Gene: RAD51B (RAD51 paralog B; plus strand). Cytogenetic location: 14q24.1.
Variant type: single nucleotide variant.
Coding change: c.556G>C on transcript NM_133510.4 (MANE Select); coding-DNA position 556, G replaced by C.
Protein change: p.Asp186His; replaces aspartic acid 186 with histidine.
Molecular consequence: missense variant.
Genome position (GRCh38, 1-based): chr14:67,885,972, G>C. VCF-style: chr14-67885972-G-C. GRCh37 (hg19) VCF-style: chr14-68352689-G-C.
Other names: c.556G>C, p.Asp186His (NM_001321809.2, NM_001321810.2, NM_001321812.1 and 6 more transcripts); c.442G>C, p.Asp148His (NM_001321815.1); c.199G>C, p.Asp67His (NM_001321817.2); short protein forms D148H, D67H, D186H.
Identifiers: ClinVar variation 4824263 (VCV004824263.1).

ClinVar aggregate classification (germline): Uncertain significance (1 of 4 stars; one submission).

gnomAD v4.1: 5 of 1,598,840 alleles (0.00031%); highest among the groups gnomAD compares: African/African-American, 0.0027%; no homozygotes.

Submission:

Ambry Genetics
Classification: Uncertain significance. Last evaluated: 2026-02-19. Review status: criteria provided, single submitter. Criteria: Ambry Variant Classification Scheme 2023. Collection method: clinical testing. Allele origin: germline.
Comment: The p.D186H variant (also known as c.556G>C), located in coding exon 5 of the RAD51B gene, results from a G to C substitution at nucleotide position 556. The aspartic acid at codon 186 is replaced by histidine, an amino acid with similar properties. This amino acid position is conserved. In addition, this alteration is predicted to be tolerated by in silico analysis. Based on the available evidence, the clinical significance of this variant remains unclear.